The following is an entry in ClinVar:

ClinVar aggregate classification (germline): Benign. Review status: criteria provided, multiple submitters, no conflicts (2 of 4 stars). 5 submissions from 5 submitters: Benign (4). 1 of the submissions does not count toward it. Last evaluated 2026-01-31.

Conditions:
Mucopolysaccharidosis type 7 (MPS7). Also called: BETA-GLUCURONIDASE DEFICIENCY; SLY SYNDROME; MPS VII; GUSB DEFICIENCY. Identifiers: Orphanet 584, MedGen C0085132, MONDO:0009662, OMIM 253220.

Allele frequency attached by ClinVar (database versions not stated): gnomAD exomes 0.00224; ExAC 0.00283; ESP Exome Variant Server 0.00823; gnomAD 0.00864 and 0.00909; TOPMed 0.00975; 1000 Genomes Project 30x 0.01437; 1000 Genomes Project 0.01438.
gnomAD v4.1: 2,704 of 1,610,444 alleles (0.17%); highest among the groups gnomAD compares: African/African-American, 3%; 42 homozygotes.

Submissions (5):

Labcorp Genetics (formerly Invitae), Labcorp
Classification: Benign for Mucopolysaccharidosis type 7. Last evaluated: 2026-01-31. Review status: criteria provided, single submitter. Criteria: Invitae Variant Classification Sherloc (09022015). Collection method: clinical testing. Allele origin: germline.

Illumina Laboratory Services, Illumina
Classification: Benign for Mucopolysaccharidosis type 7. Last evaluated: 2018-01-12. Review status: criteria provided, single submitter. Criteria: ICSL Variant Classification Criteria 13 December 2019. Collection method: clinical testing. Allele origin: germline.
Comment: This variant was observed in the ICSL laboratory as part of a predisposition screen in an ostensibly healthy population. It had not been previously curated by ICSL or reported in the Human Gene Mutation Database (HGMD: prior to June 1st, 2018), and was therefore a candidate for classification through an automated scoring system. Utilizing variant allele frequency, disease prevalence and penetrance estimates, and inheritance mode, an automated score was calculated to assess if this variant is too frequent to cause the disease. Based on the score and internal cut-off values, a variant classified as benign is not then subjected to further curation. The score for this variant resulted in a classification of benign for this disease.

Eurofins Ntd Llc (ga)
Classification: Benign. Last evaluated: 2013-10-14. Review status: criteria provided, single submitter. Criteria: EGL Classification Definitions 2015. Collection method: clinical testing. Allele origin: germline. Observed: 1 variant allele, 1 heterozygote.

Breakthrough Genomics
Classification: Benign. Review status: criteria provided, single submitter. Criteria: ACMG Guidelines, 2015. Collection method: not provided. Allele origin: germline. Inheritance: Autosomal recessive inheritance. Affected: yes.

Mayo Clinic Laboratories, Mayo Clinic
Classification: Benign. Last evaluated: 2017-09-27. Review status: no assertion criteria provided. Collection method: clinical testing. Allele origin: unknown. Not counted in ClinVar's aggregate classification.

NM_000181.4(GUSB):c.162C>T (p.Asn54=)

Gene: GUSB (glucuronidase beta; minus strand). Cytogenetic location: 7q11.21.
Variant type: single nucleotide variant.
Coding change: c.162C>T on transcript NM_000181.4 (MANE Select); coding-DNA position 162, C replaced by T.
Protein change: p.Asn54=; no amino-acid change (asparagine 54 retained).
Molecular consequence: synonymous variant. On other transcripts: 5 prime UTR variant (2), non-coding transcript variant (1).
Genome position (GRCh38, 1-based): chr7:65,982,022, G>A on the plus strand (C>T on the coding strand, the complement: GUSB is on the minus strand). VCF-style: chr7-65982022-G-A. GRCh37 (hg19) VCF-style: chr7-65447009-G-A.
Other names: c.162C>T, p.Asn54= (NM_001284290.2); c.-224C>T (NM_001293104.2); c.-168C>T (NM_001293105.2).
Identifiers: ClinVar variation 92586 (VCV000092586.24), dbSNP rs74975849, ClinGen allele CA145849.
Genomic context (GRCh38, chr7:65,982,022, plus strand): 5'-CCGAGATCGCACCTCCCACAGCGGCCGCCGGTACCACTGCTCCTCGAAGCCCCGGCGTCG[G>A]TTGTCAGAGAAGTCGGCGCGGAAGCTCCAGAGGCCGTCCAGCTCCTTGCACTCCCGCGAC-3'
Protein context (NP_000172.2, residues 44-64): LWSFRADFSD[Asn54=]RRRGFEEQWY